The following is an entry in ClinVar:

ClinVar aggregate classification (germline): Uncertain significance (1 of 4 stars; one submission).

Conditions:
Inborn genetic diseases. Identifiers: MedGen C0950123, MeSH D030342.

Submission:

Ambry Genetics
Classification: Uncertain significance for Inborn genetic diseases. Last evaluated: 2023-01-10. Review status: criteria provided, single submitter. Criteria: Ambry Variant Classification Scheme 2023. Collection method: clinical testing. Allele origin: germline.
Comment: The c.1783C>A (p.L595I) alteration is located in exon 14 (coding exon 14) of the GYS1 gene. This alteration results from a C to A substitution at nucleotide position 1783, causing the leucine (L) at amino acid position 595 to be replaced by an isoleucine (I). The p.L595I alteration is predicted to be tolerated by in silico analysis. Based on insufficient or conflicting evidence, the clinical significance of this alteration remains unclear.

NM_002103.5(GYS1):c.1783C>A (p.Leu595Ile)

Gene: GYS1 (glycogen synthase 1; minus strand). Cytogenetic location: 19q13.33.
Variant type: single nucleotide variant.
Coding change: c.1783C>A on transcript NM_002103.5 (MANE Select); coding-DNA position 1783, C replaced by A.
Protein change: p.Leu595Ile; replaces leucine 595 with isoleucine.
Molecular consequence: missense variant. On other transcripts: non-coding transcript variant (1).
Genome position (GRCh38, 1-based): chr19:48,970,572, G>T on the plus strand (C>A on the coding strand, the complement: GYS1 is on the minus strand). VCF-style: chr19-48970572-G-T. GRCh37 (hg19) VCF-style: chr19-49473829-G-T.
Other names: c.1591C>A, p.Leu531Ile (NM_001161587.2); short protein forms L531I, L595I.
Identifiers: ClinVar variation 2230075 (VCV002230075.3), dbSNP rs2513704983, ClinGen allele CA406760180.